The following is an entry in ClinVar:

ClinVar aggregate classification (germline): Likely benign (1 of 4 stars; one submission).

Submission:

CeGaT Center for Human Genetics Tuebingen
Classification: Likely benign. Last evaluated: 2026-07-01. Review status: criteria provided, single submitter. Criteria: CeGaT Center For Human Genetics Tuebingen Variant Classification Criteria Version 2. Collection method: clinical testing. Allele origin: germline. Affected: yes. Observed: 1 variant allele.
Comment: TAF15: BP4, BP7

NM_139215.3(TAF15):c.1380C>G (p.Gly460=)

Gene: TAF15 (TATA-box binding protein associated factor 15; plus strand). Cytogenetic location: 17q12.
Variant type: single nucleotide variant.
Coding change: c.1380C>G on transcript NM_139215.3 (MANE Select); coding-DNA position 1380, C replaced by G.
Protein change: p.Gly460=; no amino-acid change (glycine 460 retained).
Molecular consequence: synonymous variant.
Genome position (GRCh38, 1-based): chr17:35,844,679, C>G. VCF-style: chr17-35844679-C-G. GRCh37 (hg19) VCF-style: chr17-34171683-C-G.
Other names: c.1371C>G, p.Gly457= (NM_003487.4).
Identifiers: ClinVar variation 5038520 (VCV005038520.1).